The following is an entry in ClinVar:

NM_000044.6(AR):c.2679G>A (p.Pro893=)

Gene: AR (androgen receptor; plus strand). Cytogenetic location: Xq12.
Variant type: single nucleotide variant.
Coding change: c.2679G>A on transcript NM_000044.6 (MANE Select); coding-DNA position 2679, G replaced by A.
Protein change: p.Pro893=; no amino-acid change (proline 893 retained).
Molecular consequence: synonymous variant.
Genome position (GRCh38, 1-based): chrX:67,723,757, G>A. VCF-style: chrX-67723757-G-A. GRCh37 (hg19) VCF-style: chrX-66943599-G-A.
Other names: c.1083G>A, p.Pro361= (NM_001011645.3); c.2682G>A, p.Pro894= (NM_001424175.1).
Identifiers: ClinVar variation 2660777 (VCV002660777.27), dbSNP rs371057180, ClinGen allele CA10436709.
Genomic context (GRCh38, chrX:67,723,757, plus strand): 5'-GCTGCATCAGTTCACTTTTGACCTGCTAATCAAGTCACACATGGTGAGCGTGGACTTTCC[G>A]GAAATGATGGCAGAGATCATCTCTGTGCAAGTGCCCAAGATCCTTTCTGGGAAAGTCAAG-3'
Protein context (NP_000035.2, residues 883-903): IKSHMVSVDF[Pro893=]EMMAEIISVQ

ClinVar aggregate classification (germline): Benign/Likely benign. Review status: criteria provided, multiple submitters, no conflicts (2 of 4 stars). 2 submissions from 2 submitters: Benign (1); Likely benign (1). Last evaluated 2024-03-17.

Conditions:
Kennedy disease (SMAX1). Also called: SPINAL AND BULBAR MUSCULAR ATROPHY, X-LINKED 1; KENNEDY SPINAL AND BULBAR MUSCULAR ATROPHY; Spinal and Bulbar Muscular Atrophy. Identifiers: Orphanet 481, MedGen C1839259, MONDO:0010735, OMIM 313200.
Androgen resistance syndrome (AIS). Also called: Androgen insensitivity; DHTR DEFICIENCY; ANDROGEN RECEPTOR DEFICIENCY; DIHYDROTESTOSTERONE RECEPTOR DEFICIENCY; TESTICULAR FEMINIZATION SYNDROME; Androgen insensitivity syndrome. Identifiers: Orphanet 754, Orphanet 99429, MedGen C0039585, MONDO:0019154, OMIM 300068. Disease mechanism: loss of function.

Allele frequency attached by ClinVar (database versions not stated): TOPMed 0.00004; ESP Exome Variant Server 0.00019; ExAC 0.00008; gnomAD 0.00009; gnomAD exomes 0.00014.
gnomAD v4.1: 163 of 1,208,362 alleles (0.013%); highest among the groups gnomAD compares: Non-Finnish European, 0.016%; no homozygotes.

Submissions (2):

Labcorp Genetics (formerly Invitae), Labcorp
Classification: Benign for Kennedy disease; Androgen resistance syndrome. Last evaluated: 2024-03-17. Review status: criteria provided, single submitter. Criteria: Invitae Variant Classification Sherloc (09022015). Collection method: clinical testing. Allele origin: germline.

CeGaT Center for Human Genetics Tuebingen
Classification: Likely benign. Last evaluated: 2023-01-01. Review status: criteria provided, single submitter. Criteria: CeGaT Center For Human Genetics Tuebingen Variant Classification Criteria Version 2. Collection method: clinical testing. Allele origin: germline. Affected: yes. Observed: 2 variant alleles.
Comment: AR: BP4, BP7, BS2